The following is an entry in ClinVar:

NM_014915.3(ANKRD26):c.1700G>A (p.Gly567Asp)

Gene: ANKRD26 (ankyrin repeat domain 26; minus strand). Cytogenetic location: 10p12.1.
Variant type: single nucleotide variant.
Coding change: c.1700G>A on transcript NM_014915.3 (MANE Select); coding-DNA position 1700, G replaced by A.
Protein change: p.Gly567Asp; replaces glycine 567 with aspartic acid.
Molecular consequence: missense variant.
Genome position (GRCh38, 1-based): chr10:27,048,915, C>T on the plus strand (G>A on the coding strand, the complement: ANKRD26 is on the minus strand). VCF-style: chr10-27048915-C-T. GRCh37 (hg19) VCF-style: chr10-27337844-C-T.
Other names: c.1700G>A, p.Gly567Asp (NM_001256053.2); short protein forms G567D.
Identifiers: ClinVar variation 2908229 (VCV002908229.3), dbSNP rs865962838, ClinGen allele CA204412757.

ClinVar aggregate classification (germline): Uncertain significance (1 of 4 stars; one submission).

Allele frequency attached by ClinVar (database versions not stated): gnomAD exomes below 0.00001.
gnomAD v4.1: 1 of 1,611,808 alleles (0.000062%); highest among the groups gnomAD compares: Non-Finnish European, 0.000085%; no homozygotes.

Submission:

Labcorp Genetics (formerly Invitae), Labcorp
Classification: Uncertain significance. Last evaluated: 2025-08-11. Review status: criteria provided, single submitter. Criteria: Invitae Variant Classification Sherloc (09022015). Collection method: clinical testing. Allele origin: germline.
Comment: This sequence change replaces glycine, which is neutral and non-polar, with aspartic acid, which is acidic and polar, at codon 567 of the ANKRD26 protein (p.Gly567Asp). The frequency data for this variant in the population databases is considered unreliable, as metrics indicate poor data quality at this position in the gnomAD database. This variant has not been reported in the literature in individuals affected with ANKRD26-related conditions. ClinVar contains an entry for this variant (Variation ID: 2908229). An algorithm developed to predict the effect of missense changes on protein structure and function (PolyPhen-2) suggests that this variant is likely to be tolerated. In summary, the available evidence is currently insufficient to determine the role of this variant in disease. Therefore, it has been classified as a Variant of Uncertain Significance.